The following is an entry in ClinVar:

NM_014159.7(SETD2):c.3316T>C (p.Leu1106=)

Gene: SETD2 (SET domain containing 2, histone lysine methyltransferase; minus strand). Cytogenetic location: 3p21.31.
Variant type: single nucleotide variant.
Coding change: c.3316T>C on transcript NM_014159.7 (MANE Select); coding-DNA position 3316, T replaced by C.
Protein change: p.Leu1106=; no amino-acid change (leucine 1106 retained).
Molecular consequence: synonymous variant. On other transcripts: non-coding transcript variant (1).
Genome position (GRCh38, 1-based): chr3:47,121,320, A>G on the plus strand (T>C on the coding strand, the complement: SETD2 is on the minus strand). VCF-style: chr3-47121320-A-G. GRCh37 (hg19) VCF-style: chr3-47162810-A-G.
Other names: c.3184T>C, p.Leu1062= (NM_001349370.3).
Identifiers: ClinVar variation 1701456 (VCV001701456.31), dbSNP rs779666460, ClinGen allele CA2363402.
Genomic context (GRCh38, chr3:47,121,320, plus strand): 5'-GACAGGCTTTACTTGCTATACTTTCAAATTTTTCCTCATACAAATGTCTCCTTGACTCCA[A>G]TCTCTCATCTTCCCAATGGTCAGAATAGTGTCTATAACTTTGACTGCTCCGAGAAGAACA-3'
Protein context (NP_054878.5, residues 1096-1116): HYSDHWEDER[Leu1106=]ESRRHLYEEK

ClinVar aggregate classification (germline): Likely benign (1 of 4 stars; one submission).

Allele frequency attached by ClinVar (database versions not stated): TOPMed below 0.00001; gnomAD exomes 0.00001; ExAC 0.00002.
gnomAD v4.1: 5 of 1,611,754 alleles (0.00031%); highest among the groups gnomAD compares: Non-Finnish European, 0.00042%; no homozygotes.

Submission:

CeGaT Center for Human Genetics Tuebingen
Classification: Likely benign. Last evaluated: 2024-04-01. Review status: criteria provided, single submitter. Criteria: CeGaT Center For Human Genetics Tuebingen Variant Classification Criteria Version 2. Collection method: clinical testing. Allele origin: germline. Affected: yes. Observed: 2 variant alleles.
Comment: SETD2: BP4, BP7